The following is an entry in ClinVar:

ClinVar aggregate classification (germline): Conflicting classifications of pathogenicity. Review status: criteria provided, conflicting classifications (1 of 4 stars). 3 submissions from 3 submitters: Uncertain significance (1); Likely benign (2). Last evaluated 2025-11-12.

Conditions:
Hereditary cancer-predisposing syndrome. Also called: Tumor predisposition; Hereditary neoplastic syndrome; Neoplastic Syndromes, Hereditary; Hereditary Cancer Syndrome. Identifiers: Orphanet 140162, MedGen C0027672, MeSH D009386, MONDO:0015356.
Hereditary breast ovarian cancer syndrome. Also called: Breast and ovarian cancer; BRCA1- and BRCA2-Associated Hereditary Breast and Ovarian Cancer; Hereditary breast and ovarian cancer; Hereditary breast and/or ovarian cancer syndrome; Hereditary breast and ovarian cancer syndrome; Hereditary breast and ovarian cancer syndrome (HBOC). Identifiers: Orphanet 145, MedGen C0677776, MeSH D061325, MONDO:0003582. Disease mechanism: loss of function.
Ataxia-telangiectasia syndrome (AT). Also called: Ataxia-telangiectasia, complementation group D; Cerebello-oculocutaneous telangiectasia; Immunodeficiency with ataxia telangiectasia; LOUIS-BAR SYNDROME; Ataxia-telangiectasia; AT, COMPLEMENTATION GROUP C. Identifiers: Orphanet 100, MedGen C0004135, MONDO:0008840, OMIM 208900.

Allele frequency attached by ClinVar (database versions not stated): gnomAD exomes below 0.00001.
gnomAD v4.1: 4 of 1,434,296 alleles (0.00028%); highest among the groups gnomAD compares: African/African-American, 0.0028%; no homozygotes.

Submissions (3):

Labcorp Genetics (formerly Invitae), Labcorp
Classification: Likely benign for Ataxia-telangiectasia syndrome. Last evaluated: 2025-11-12. Review status: criteria provided, single submitter. Criteria: Invitae Variant Classification Sherloc (09022015). Collection method: clinical testing. Allele origin: germline.

National Health Laboratory Service, Universitas Academic Hospital and University of the Free State
Classification: Likely benign for Hereditary breast ovarian cancer syndrome. Last evaluated: 2022-04-19. Review status: criteria provided, single submitter. Criteria: ACMG Guidelines, 2015. Collection method: clinical testing. Allele origin: germline. Affected: yes. Observed: 1 variant allele.

Color Diagnostics, LLC DBA Color Health
Classification: Uncertain significance for Hereditary cancer-predisposing syndrome. Last evaluated: 2019-10-11. Review status: criteria provided, single submitter. Criteria: ACMG Guidelines, 2015. Collection method: clinical testing. Allele origin: germline.
Comment: This variant causes an A>G nucleotide substitution at the +18 position of intron 25 of the ATM gene. Splice site prediction tools suggest that this variant may create a splice donor site. However, this prediction has not been confirmed in published RNA studies. This variant has not been reported in individuals affected with hereditary cancer in the literature. This variant has not been identified in the general population by the Genome Aggregation Database (gnomAD). The available evidence is insufficient to determine the role of this variant in disease conclusively. Therefore, this variant is classified as a Variant of Uncertain Significance.

NM_000051.4(ATM):c.3746+18A>G

Gene: ATM (ATM serine/threonine kinase; plus strand). Cytogenetic location: 11q22.3.
Variant type: single nucleotide variant.
Coding change: c.3746+18A>G on transcript NM_000051.4 (MANE Select); 18 bases into the intron after coding-DNA position 3746, A replaced by G.
Molecular consequence: intron variant.
Genome position (GRCh38, 1-based): chr11:108,282,897, A>G. VCF-style: chr11-108282897-A-G. GRCh37 (hg19) VCF-style: chr11-108153624-A-G.
Other names: c.3746+18A>G (NM_001351834.2).
Identifiers: ClinVar variation 928317 (VCV000928317.10), dbSNP rs2082310429, ClinGen allele CA913187773.
Genomic context (GRCh38, chr11:108,282,897, plus strand): 5'-CTTTTATTTTATTAAACTACACAAATATTGAGGATTTCTATAGGTAAGTTTATACATGAC[A>G]TATGTGAAATTTGTTTAATTTAAAATTAGTTAACAATACTTAGCAAGTCCCCTCACCAGC-3'